The following is an entry in ClinVar:

NM_001042646.3(TRAK1):c.1745-4C>T

Gene: TRAK1 (trafficking kinesin protein 1; plus strand). Cytogenetic location: 3p22.1.
Variant type: single nucleotide variant.
Coding change: c.1745-4C>T on transcript NM_001042646.3 (MANE Select); 4 bases into the intron before coding-DNA position 1745, C replaced by T.
Molecular consequence: intron variant.
Genome position (GRCh38, 1-based): chr3:42,209,763, C>T. VCF-style: chr3-42209763-C-T. GRCh37 (hg19) VCF-style: chr3-42251255-C-T.
Other names: c.1433-4C>T (NM_001349245.1); c.1745-4C>T (NM_001349247.2, NM_001349246.2, NM_001265608.2); c.1523-4C>T (NM_001349249.1, NM_001349248.1, NM_001265609.2); c.1571-4C>T (NM_014965.5).
Identifiers: ClinVar variation 1587959 (VCV001587959.35), dbSNP rs201818830, ClinGen allele CA2333617.
Genomic context (GRCh38, chr3:42,209,763, plus strand): 5'-TGGACTTCCATCCTAACCCTCTCTTCTCCTTGTCCCCCTTCTTCCCTTCCCTTTCTCCTG[C>T]AAGGTTCCGCCACACTTCACCACTGGCAGCAGTTGGCCCAACCTCACCTTGGGGGCATCC-3'

ClinVar aggregate classification (germline): Likely benign. Review status: criteria provided, multiple submitters, no conflicts (2 of 4 stars). 2 submissions from 2 submitters: Likely benign (2). Last evaluated 2025-09-01.

Allele frequency attached by ClinVar (database versions not stated): ExAC 0.00022; gnomAD exomes 0.00030 and 0.00062; ESP Exome Variant Server 0.00031; TOPMed 0.00043; gnomAD 0.00044 and 0.00046.
gnomAD v4.1: 971 of 1,613,330 alleles (0.06%); highest among the groups gnomAD compares: Non-Finnish European, 0.076%; no homozygotes.

Submissions (2):

CeGaT Center for Human Genetics Tuebingen
Classification: Likely benign. Last evaluated: 2025-09-01. Review status: criteria provided, single submitter. Criteria: CeGaT Center For Human Genetics Tuebingen Variant Classification Criteria Version 2. Collection method: clinical testing. Allele origin: germline. Affected: yes. Observed: 2 variant alleles.
Comment: TRAK1: BP4

Labcorp Genetics (formerly Invitae), Labcorp
Classification: Likely benign. Last evaluated: 2025-08-20. Review status: criteria provided, single submitter. Criteria: Invitae Variant Classification Sherloc (09022015). Collection method: clinical testing. Allele origin: germline.